The following is an entry in ClinVar:

NM_000426.4(LAMA2):c.7568del (p.Leu2523fs)

Gene: LAMA2 (laminin subunit alpha 2; plus strand). Cytogenetic location: 6q22.33.
Variant type: Deletion.
Coding change: c.7568del on transcript NM_000426.4 (MANE Select); coding-DNA position 7568, one base deleted (T; older notation c.7568delT).
Protein change: p.Leu2523fs; shifts the reading frame from leucine 2523.
Molecular consequence: frameshift variant.
Genome position (GRCh38, 1-based): chr6:129,478,809, T deleted. VCF-style (leftmost placement, unchanged base first): chr6-129478808-CT-C. GRCh37 (hg19) VCF-style: chr6-129799953-CT-C.
Other names: c.7556del, p.Leu2519fs (NM_001079823.2); short protein forms L2519fs, L2523fs.
Identifiers: ClinVar variation 2851964 (VCV002851964.3), dbSNP rs2533472032, ClinGen allele CA2739266120.

ClinVar aggregate classification (germline): Pathogenic (1 of 4 stars; one submission).

Conditions:
LAMA2-related muscular dystrophy (LAMA2-RD). Also called: Laminin alpha 2-related dystrophy. Identifiers: MedGen C5679788, MONDO:0100228.

Submission:

Labcorp Genetics (formerly Invitae), Labcorp
Classification: Pathogenic for LAMA2-related muscular dystrophy. Last evaluated: 2023-04-04. Review status: criteria provided, single submitter. Criteria: Invitae Variant Classification Sherloc (09022015). Collection method: clinical testing. Allele origin: germline.
Comment: This sequence change creates a premature translational stop signal (p.Leu2523Argfs*24) in the LAMA2 gene. It is expected to result in an absent or disrupted protein product. Loss-of-function variants in LAMA2 are known to be pathogenic (PMID: 18700894, 32904964). This variant is not present in population databases (gnomAD no frequency). This variant has not been reported in the literature in individuals affected with LAMA2-related conditions. For these reasons, this variant has been classified as Pathogenic.

Literature cited by the submitters: PubMed 18700894; PubMed 32904964.